The following is an entry in ClinVar:

NM_001394062.1(MACF1):c.12940G>C (p.Glu4314Gln)

Gene: MACF1 (microtubule actin crosslinking factor 1; plus strand). Cytogenetic location: 1p34.3.
Variant type: single nucleotide variant.
Coding change: c.12940G>C on transcript NM_001394062.1 (MANE Select); coding-DNA position 12940, G replaced by C.
Protein change: p.Glu4314Gln; replaces glutamic acid 4314 with glutamine.
Molecular consequence: missense variant.
Genome position (GRCh38, 1-based): chr1:39,370,031, G>C. VCF-style: chr1-39370031-G-C. GRCh37 (hg19) VCF-style: chr1-39835703-G-C.
Other names: c.6754G>C, p.Glu2252Gln (NM_012090.5); short protein forms E2252Q, E4314Q.
Identifiers: ClinVar variation 4532306 (VCV004532306.1).

ClinVar aggregate classification (germline): Uncertain significance (1 of 4 stars; one submission).

Submission:

GeneDx
Classification: Uncertain significance. Last evaluated: 2025-05-31. Review status: criteria provided, single submitter. Criteria: GeneDx Variant Classification Process June 2021. Collection method: clinical testing. Allele origin: germline. Affected: yes.
Comment: Not observed at significant frequency in large population cohorts (gnomAD); In silico analysis supports a deleterious effect on splicing; In silico analysis suggests that this missense variant does not alter protein structure/function; Has not been previously published as pathogenic or benign to our knowledge